The following is an entry in ClinVar:

ClinVar aggregate classification (germline): Uncertain significance. Review status: criteria provided, multiple submitters, no conflicts (2 of 4 stars). 2 submissions from 2 submitters: Uncertain significance (2). Last evaluated 2025-08-02.

Conditions:
Inborn genetic diseases. Identifiers: MedGen C0950123, MeSH D030342.

Allele frequency attached by ClinVar (database versions not stated): gnomAD 0.00001; gnomAD exomes 0.00005 and 0.00013; TOPMed 0.00007; ESP Exome Variant Server 0.00008; ExAC 0.00013.
gnomAD v4.1: 33 of 1,613,934 alleles (0.002%); highest among the groups gnomAD compares: Admixed American, 0.055%; no homozygotes.

Submissions (2):

Ambry Genetics
Classification: Uncertain significance for Inborn genetic diseases. Last evaluated: 2025-08-02. Review status: criteria provided, single submitter. Criteria: Ambry Variant Classification Scheme 2023. Collection method: clinical testing. Allele origin: germline.

Labcorp Genetics (formerly Invitae), Labcorp
Classification: Uncertain significance. Last evaluated: 2022-07-12. Review status: criteria provided, single submitter. Criteria: Invitae Variant Classification Sherloc (09022015). Collection method: clinical testing. Allele origin: germline.
Comment: This sequence change replaces asparagine, which is neutral and polar, with tyrosine, which is neutral and polar, at codon 202 of the SPARC protein (p.Asn202Tyr). This variant is present in population databases (rs374287897, gnomAD 0.1%). This variant has not been reported in the literature in individuals affected with SPARC-related conditions. ClinVar contains an entry for this variant (Variation ID: 1438446). Algorithms developed to predict the effect of missense changes on protein structure and function are either unavailable or do not agree on the potential impact of this missense change (SIFT: "Deleterious"; PolyPhen-2: "Possibly Damaging"; Align-GVGD: "Class C0"). Algorithms developed to predict the effect of sequence changes on RNA splicing suggest that this variant may create or strengthen a splice site. In summary, the available evidence is currently insufficient to determine the role of this variant in disease. Therefore, it has been classified as a Variant of Uncertain Significance.

NM_003118.4(SPARC):c.604A>T (p.Asn202Tyr)

Gene: SPARC (secreted protein acidic and cysteine rich; minus strand). Cytogenetic location: 5q33.1.
Variant type: single nucleotide variant.
Coding change: c.604A>T on transcript NM_003118.4 (MANE Select); coding-DNA position 604, A replaced by T.
Protein change: p.Asn202Tyr; replaces asparagine 202 with tyrosine.
Molecular consequence: missense variant.
Genome position (GRCh38, 1-based): chr5:151,666,491, T>A on the plus strand (A>T on the coding strand, the complement: SPARC is on the minus strand). VCF-style: chr5-151666491-T-A. GRCh37 (hg19) VCF-style: chr5-151046052-T-A.
Other names: c.601A>T, p.Asn201Tyr (NM_001309443.2); c.604A>T, p.Asn202Tyr (NM_001309444.2); c.604A>T (NM_003118.2); short protein forms N202Y, N201Y.
Identifiers: ClinVar variation 1438446 (VCV001438446.6), dbSNP rs374287897, ClinGen allele CA3522633.
Genomic context (GRCh38, chr5:151,666,491, plus strand): 5'-TCTCGAAGTCCCGGGCCAGCAGCTCCACGGGGTGGTCTCCTGCCTCCAGGCGCTTCTCAT[T>A]CTCATGGATCTTCTTCACCTGAGGGAGTAGAGACTGTGTGTGACAAGAGGTCCATGGAGA-3'
Protein context (NP_003109.1, residues 192-212): QKLRVKKIHE[Asn202Tyr]EKRLEAGDHP